The following is an entry in ClinVar:

ClinVar aggregate classification (germline): Conflicting classifications of pathogenicity. Review status: criteria provided, conflicting classifications (1 of 4 stars). 4 submissions from 4 submitters: Likely pathogenic (3); Uncertain significance (1). Last evaluated 2024-04-21.

Conditions:
ECHS1-related disorders.
Mitochondrial short-chain Enoyl-Coa hydratase 1 deficiency. Also called: PxMD-ECHS1; Mitochondrial Short-Chain Enoyl-CoA Hydratase Deficiency; ECHS1 deficiency. Identifiers: Orphanet 255241, Orphanet 653880, MedGen C4225391, MONDO:0014563, OMIM 616277.

Allele frequency attached by ClinVar (database versions not stated): TOPMed below 0.00001; gnomAD 0.00001; gnomAD exomes 0.00001.

Submissions (4):

Blueprint Genetics
Classification: Likely pathogenic for ECHS1-related disorders. Last evaluated: 2024-04-21. Review status: criteria provided, single submitter. Criteria: ACMG Guidelines, 2015. Collection method: clinical testing. Allele origin: germline. Affected: yes. Observed: 5 variant alleles.

Baylor Genetics
Classification: Likely pathogenic for Mitochondrial short-chain Enoyl-Coa hydratase 1 deficiency. Last evaluated: 2024-02-01. Review status: criteria provided, single submitter. Criteria: ACMG Guidelines, 2015. Collection method: clinical testing. Allele origin: unknown.

GeneDx
Classification: Likely pathogenic. Last evaluated: 2023-09-20. Review status: criteria provided, single submitter. Criteria: GeneDx Variant Classification Process June 2021. Collection method: clinical testing. Allele origin: germline. Affected: yes.
Comment: In silico analysis supports that this missense variant has a deleterious effect on protein structure/function; Not observed at significant frequency in large population cohorts (gnomAD); This variant is associated with the following publications: (PMID: 33931985, 34364746)

Revvity Omics, Revvity
Classification: Uncertain significance for Mitochondrial short-chain Enoyl-Coa hydratase 1 deficiency. Last evaluated: 2019-04-30. Review status: criteria provided, single submitter. Criteria: ACMG Guidelines, 2015. Collection method: clinical testing. Allele origin: germline.

NM_004092.4(ECHS1):c.523G>A (p.Gly175Ser)

Gene: ECHS1 (enoyl-CoA hydratase, short chain 1; minus strand). Cytogenetic location: 10q26.3.
Variant type: single nucleotide variant.
Coding change: c.523G>A on transcript NM_004092.4 (MANE Select); coding-DNA position 523, G replaced by A.
Protein change: p.Gly175Ser; replaces glycine 175 with serine.
Molecular consequence: missense variant.
Genome position (GRCh38, 1-based): chr10:133,366,985, C>T on the plus strand (G>A on the coding strand, the complement: ECHS1 is on the minus strand). VCF-style: chr10-133366985-C-T. GRCh37 (hg19) VCF-style: chr10-135180489-C-T.
Other names: short protein forms G175S.
Identifiers: ClinVar variation 1300726 (VCV001300726.8), dbSNP rs962504241, ClinGen allele CA216816390.
Genomic context (GRCh38, chr10:133,366,985, plus strand): 5'-CAGTGAGGACCATCTCCATCGCCAGCGACTTCCCAACAGCACGGGTGAGTCTCTGGGTGC[C>T]GCCCGCACCTGCAGGGAGGGGCTGGTCATGGCTGGCACTGTGATGAGTGAACCCAAGAAG-3'
Protein context (NP_004083.3, residues 165-185): ILIGTIPGAG[Gly175Ser]TQRLTRAVGK